The following is an entry in ClinVar:

NM_001940.4(ATN1):c.760C>A (p.Pro254Thr)

Gene: ATN1 (atrophin 1; plus strand). Cytogenetic location: 12p13.31.
Variant type: single nucleotide variant.
Coding change: c.760C>A on transcript NM_001940.4 (MANE Select); coding-DNA position 760, C replaced by A.
Protein change: p.Pro254Thr; replaces proline 254 with threonine.
Molecular consequence: missense variant.
Genome position (GRCh38, 1-based): chr12:6,936,027, C>A. VCF-style: chr12-6936027-C-A. GRCh37 (hg19) VCF-style: chr12-7045190-C-A.
Other names: c.760C>A, p.Pro254Thr (NM_001007026.2, NM_001424176.1, NM_001424177.1 and 2 more transcripts); c.757C>A, p.Pro253Thr (NM_001424179.1, NM_001424180.1, NM_001424182.1); short protein forms P253T, P254T.
Identifiers: ClinVar variation 2636576 (VCV002636576.1), dbSNP rs1555143546, ClinGen allele CA383721055.

ClinVar aggregate classification (germline): Uncertain significance (1 of 4 stars; one submission).

Conditions:
ATN1-related disorder. Also called: ATN1-related condition; ATN1-related disorders.

gnomAD v4.1: 1 of 1,580,924 alleles (0.000063%); no homozygotes.

Submission:

PreventionGenetics, part of Exact Sciences
Classification: Uncertain significance for ATN1-related condition. Last evaluated: 2023-05-10. Review status: criteria provided, single submitter. Criteria: ACMG Guidelines, 2015. Collection method: clinical testing. Allele origin: germline.
Comment: The ATN1 c.760C>A variant is predicted to result in the amino acid substitution p.Pro254Thr. To our knowledge, this variant has not been reported in the literature or in a large population database, indicating this variant is rare. At this time, the clinical significance of this variant is uncertain due to the absence of conclusive functional and genetic evidence.